The following is an entry in ClinVar:

NM_013447.4(ADGRE2):c.14TCTTTCTCG[1] (p.5VFL[1])

Gene: ADGRE2 (adhesion G protein-coupled receptor E2; minus strand). Cytogenetic location: 19p13.12.
Variant type: Microsatellite.
Coding change: c.14TCTTTCTCG[1] on transcript NM_013447.4 (MANE Select); one copy of the 9-base unit TCTTTCTCG starting at c.14; the reference has two copies in a row; one copy, 9 bases deleted.
Protein change: p.5VFL[1].
Molecular consequence: inframe deletion.
Genome position (GRCh38, 1-based): chr19:14,776,726-14,776,734, CGAGAAAGA deleted on the plus strand (TCTTTCTCG on the coding strand, the reverse complement: ADGRE2 is on the minus strand); deleting any 9 consecutive bases within chr19:14,776,726-14,776,745 gives the same sequence; the position shown is the placement nearest the transcript's 3' end. VCF-style (leftmost placement, unchanged base first): chr19-14776725-CCGAGAAAGA-C. GRCh37 (hg19) VCF-style: chr19-14887537-CCGAGAAAGA-C.
Other names: c.14TCTTTCTCG[1], p.5VFL[1] (NM_001271052.1, NM_152916.2, NM_152917.2).
Identifiers: ClinVar variation 2721339 (VCV002721339.3), dbSNP rs757624263, ClinGen allele CA9258356.

ClinVar aggregate classification (germline): Uncertain significance (1 of 4 stars; one submission).

Submission:

Labcorp Genetics (formerly Invitae), Labcorp
Classification: Uncertain significance. Last evaluated: 2026-01-08. Review status: criteria provided, single submitter. Criteria: Invitae Variant Classification Sherloc (09022015). Collection method: clinical testing. Allele origin: germline.
Comment: This variant, c.23_31del, results in the deletion of 3 amino acid(s) of the ADGRE2 protein (p.Val8_Leu10del), but otherwise preserves the integrity of the reading frame. This variant is present in population databases (rs757624263, gnomAD 0.03%). This variant has not been reported in the literature in individuals affected with ADGRE2-related conditions. Experimental studies and prediction algorithms are not available or were not evaluated, and the functional significance of this variant is currently unknown. Algorithms developed to predict the effect of sequence changes on RNA splicing suggest that this variant may disrupt the consensus splice site. In summary, the available evidence is currently insufficient to determine the role of this variant in disease. Therefore, it has been classified as a Variant of Uncertain Significance.